The following is an entry in ClinVar:

NM_001254.4(CDC6):c.214C>A (p.Pro72Thr)

Gene: CDC6 (cell division cycle 6; plus strand). Cytogenetic location: 17q21.2.
Variant type: single nucleotide variant.
Coding change: c.214C>A on transcript NM_001254.4 (MANE Select); coding-DNA position 214, C replaced by A.
Protein change: p.Pro72Thr; replaces proline 72 with threonine.
Molecular consequence: missense variant.
Genome position (GRCh38, 1-based): chr17:40,291,093, C>A. VCF-style: chr17-40291093-C-A. GRCh37 (hg19) VCF-style: chr17-38447345-C-A.
Other names: short protein forms P72T.
Identifiers: ClinVar variation 2063859 (VCV002063859.4), dbSNP rs1567733435, ClinGen allele CA399326717.
Genomic context (GRCh38, chr17:40,291,093, plus strand): 5'-ACATTTTTATTTTATTGTGTTTCAGGCGATGACAACCTATGCAACACTCCCCATTTACCT[C>A]CTTGTTCTCCACCAAAGCAAGGCAAGAAAGAGAATGGTCCCCCTCACTCACATACACTTA-3'
Protein context (NP_001245.1, residues 62-82): DNLCNTPHLP[Pro72Thr]CSPPKQGKKE

ClinVar aggregate classification (germline): Uncertain significance (1 of 4 stars; one submission).

Allele frequency attached by ClinVar (database versions not stated): gnomAD exomes below 0.00001.
gnomAD v4.1: 1 of 1,614,164 alleles (0.000062%); highest among the groups gnomAD compares: Non-Finnish European, 0.000085%; no homozygotes.

Submission:

Labcorp Genetics (formerly Invitae), Labcorp
Classification: Uncertain significance. Last evaluated: 2021-12-29. Review status: criteria provided, single submitter. Criteria: Invitae Variant Classification Sherloc (09022015). Collection method: clinical testing. Allele origin: germline.
Comment: In summary, the available evidence is currently insufficient to determine the role of this variant in disease. Therefore, it has been classified as a Variant of Uncertain Significance. Algorithms developed to predict the effect of missense changes on protein structure and function output the following: SIFT: "Tolerated"; PolyPhen-2: "Benign"; Align-GVGD: "Class C0". The threonine amino acid residue is found in multiple mammalian species, which suggests that this missense change does not adversely affect protein function. This variant has not been reported in the literature in individuals affected with CDC6-related conditions. This variant is not present in population databases (gnomAD no frequency). This sequence change replaces proline, which is neutral and non-polar, with threonine, which is neutral and polar, at codon 72 of the CDC6 protein (p.Pro72Thr).